The following is an entry in ClinVar:

ClinVar aggregate classification (germline): Likely benign (0 of 4 stars; one submission).

Conditions:
H19-related disorder. Also called: H19-related condition.

Allele frequency attached by ClinVar (database versions not stated): ExAC 0.00038.

Submission:

PreventionGenetics, part of Exact Sciences
Classification: Likely benign for H19-related condition. Last evaluated: 2019-05-01. Review status: no assertion criteria provided. Collection method: clinical testing. Allele origin: germline.
Comment: This variant is classified as likely benign based on ACMG/AMP sequence variant interpretation guidelines (Richards et al. 2015 PMID: 25741868, with internal and published modifications).

NR_002196.2(H19):n.1359-10C>T

Genes: H19 (H19 imprinted maternally expressed transcript; minus strand), MRPL23 (mitochondrial ribosomal protein L23; plus strand). Cytogenetic location: 11p15.5.
Variant type: single nucleotide variant.
Molecular consequence: intron variant (on NM_001400176.1).
Genome position: GRCh38 VCF-style: chr11-1996431-G-A. GRCh37 (hg19) VCF-style: chr11-2017661-G-A.
Other names: c.498-15110G>A (NM_001400176.1).
Identifiers: ClinVar variation 3055295 (VCV003055295.2), dbSNP rs747425680, ClinGen allele CA5817410.